The following is an entry in ClinVar:

NM_000368.5(TSC1):c.1030-14T>A

Gene: TSC1 (TSC complex subunit 1; minus strand). Cytogenetic location: 9q34.13.
Variant type: single nucleotide variant.
Coding change: c.1030-14T>A on transcript NM_000368.5 (MANE Select); 14 bases into the intron before coding-DNA position 1030, T replaced by A.
Molecular consequence: intron variant.
Genome position (GRCh38, 1-based): chr9:132,911,127, A>T on the plus strand (T>A on the coding strand, the complement: TSC1 is on the minus strand). VCF-style: chr9-132911127-A-T. GRCh37 (hg19) VCF-style: chr9-135786514-A-T.
Other names: c.667-14T>A (NM_001362177.2); c.877-14T>A (NM_001162427.2); c.1030-14T>A (NM_001162426.2).
Identifiers: ClinVar variation 504398 (VCV000504398.16), dbSNP rs180810228, ClinGen allele CA026841.

ClinVar aggregate classification (germline): Conflicting classifications of pathogenicity. Review status: criteria provided, conflicting classifications (1 of 4 stars). 7 submissions from 7 submitters: Uncertain significance (5); Likely benign (2). Last evaluated 2026-02-02.

Conditions:
Tuberous sclerosis syndrome (TSC). Also called: Tuberous sclerosis; Tuberous Sclerosis Complex. Identifiers: Orphanet 805, MedGen C0041341, MONDO:0001734.
Tuberous sclerosis 1 (TSC1). Identifiers: Orphanet 805, MedGen C1854465, MONDO:0008612, OMIM 191100.

Allele frequency attached by ClinVar (database versions not stated): ExAC 0.00001; TOPMed 0.00001; gnomAD 0.00002; 1000 Genomes Project 0.00020; 1000 Genomes Project 30x 0.00031.

Submissions (7):

Labcorp Genetics (formerly Invitae), Labcorp
Classification: Likely benign for Tuberous sclerosis 1. Last evaluated: 2026-02-02. Review status: criteria provided, single submitter. Criteria: Invitae Variant Classification Sherloc (09022015). Collection method: clinical testing. Allele origin: germline.

Cambridge Genomics Laboratory, East Genomic Laboratory Hub, NHS Genomic Medicine Service
Classification: Uncertain significance for Tuberous sclerosis. Last evaluated: 2024-11-19. Review status: criteria provided, single submitter. Criteria: ACGS Best Practice Guidelines for Variant Classification in Rare Disease 2020. Collection method: clinical testing. Allele origin: germline. Affected: yes.
Comment: PP3

Myriad Genetics, Inc.
Classification: Likely benign for Tuberous sclerosis 1. Last evaluated: 2024-08-09. Review status: criteria provided, single submitter. Criteria: Myriad Autosomal Dominant, Autosomal Recessive and X-Linked Classification Criteria (2023). Collection method: clinical testing. Allele origin: unknown.
Comment: This variant is considered likely benign. This variant is intronic and is not expected to impact mRNA splicing. This variant has been observed at a population frequency that is significantly greater than expected given the associated disease prevalence and penetrance.

Department of Pathology and Laboratory Medicine, Sinai Health System
Classification: Uncertain significance for tuberous sclerosis. Last evaluated: 2024-07-24. Review status: criteria provided, single submitter. Criteria: ACMG Guidelines, 2015. Collection method: clinical testing. Allele origin: germline.

All of Us Research Program, National Institutes of Health
Classification: Uncertain significance for Tuberous sclerosis syndrome. Last evaluated: 2023-11-20. Review status: criteria provided, single submitter. Criteria: ACMG Guidelines, 2015. Collection method: clinical testing. Allele origin: germline. Inheritance: Autosomal dominant inheritance. Observed: 1 variant allele, 1 heterozygote.
Comment: This variant causes a T to A nucleotide substitution at the -14 position of intron 10 of the TSC1 gene. Splice site prediction tools suggest that this variant may have a significant impact on RNA splicing, although this prediction has not been confirmed in published RNA studies. To our knowledge, functional studies have not been reported for this variant. This variant has not been reported in individuals affected with TSC1-related disorders in the literature. This variant has been identified in 3/282376 chromosomes in the general population by the Genome Aggregation Database (gnomAD). The available evidence is insufficient to determine the role of this variant in disease conclusively. Therefore, this variant is classified as a Variant of Uncertain Significance.

This study involves interpretation of variants in research participants for the purpose of population health screening. Participant phenotype was not available at the time of variant classification. Additional details can be found in publication PMID: 35346344, PMCID: PMC8962531

Color Diagnostics, LLC DBA Color Health
Classification: Uncertain significance for Tuberous sclerosis syndrome. Last evaluated: 2023-10-19. Review status: criteria provided, single submitter. Criteria: ACMG Guidelines, 2015. Collection method: clinical testing. Allele origin: germline.
Comment: This variant causes a T to A nucleotide substitution at the -14 position of intron 10 of the TSC1 gene. Splice site prediction tools suggest that this variant may have a significant impact on RNA splicing, although this prediction has not been confirmed in published RNA studies. To our knowledge, functional studies have not been reported for this variant. This variant has not been reported in individuals affected with TSC1-related disorders in the literature. This variant has been identified in 3/282376 chromosomes in the general population by the Genome Aggregation Database (gnomAD). The available evidence is insufficient to determine the role of this variant in disease conclusively. Therefore, this variant is classified as a Variant of Uncertain Significance.

GeneDx
Classification: Uncertain significance. Last evaluated: 2019-04-08. Review status: criteria provided, single submitter. Criteria: GeneDx Variant Classification Process June 2021. Collection method: clinical testing. Allele origin: germline. Affected: yes.
Comment: In-silico analysis, which includes splice predictors and evolutionary conservation, is inconclusive as to whether the variant alters gene splicing. In the absence of RNA/functional studies, the actual effect of this sequence change is unknown.; Has not been previously published as pathogenic or benign to our knowledge